The following is an entry in ClinVar:

ClinVar aggregate classification (germline): Likely pathogenic (1 of 4 stars; one submission).

Submission:

Labcorp Genetics (formerly Invitae), Labcorp
Classification: Likely pathogenic. Last evaluated: 2025-04-11. Review status: criteria provided, single submitter. Criteria: Invitae Variant Classification Sherloc (09022015). Collection method: clinical testing. Allele origin: germline.
Comment: This sequence change affects a donor splice site in intron 8 of the C5 gene. It is expected to disrupt RNA splicing. Variants that disrupt the donor or acceptor splice site typically lead to a loss of protein function (PMID: 16199547), and loss-of-function variants in C5 are known to be pathogenic (PMID: 7730648, 19414197, 27026170). This variant is not present in population databases (gnomAD no frequency). This variant has not been reported in the literature in individuals affected with C5-related conditions. Algorithms developed to predict the effect of sequence changes on RNA splicing suggest that this variant may disrupt the consensus splice site. In summary, the currently available evidence indicates that the variant is pathogenic, but additional data are needed to prove that conclusively. Therefore, this variant has been classified as Likely Pathogenic.

Literature cited by the submitters: PubMed 16199547; PubMed 7730648; PubMed 19414197; PubMed 27026170.

NM_001735.3(C5):c.873+1G>A

Gene: C5 (complement C5; minus strand). Cytogenetic location: 9q33.2.
Variant type: single nucleotide variant.
Coding change: c.873+1G>A on transcript NM_001735.3 (MANE Select); the canonical splice donor site of the intron after coding-DNA position 873, G replaced by A.
Molecular consequence: splice donor variant.
Genome position (GRCh38, 1-based): chr9:121,027,159, C>T on the plus strand (G>A on the coding strand, the complement: C5 is on the minus strand). VCF-style: chr9-121027159-C-T. GRCh37 (hg19) VCF-style: chr9-123789437-C-T.
Other names: c.891+1G>A (NM_001317163.2); c.873+1G>A (NM_001317164.2).
Identifiers: ClinVar variation 4766621 (VCV004766621.1).
Genomic context (GRCh38, chr9:121,027,159, plus strand): 5'-TTCTCATCTCTCACCTCTGGATGCATCTGTAGGTGTGAGTGACTGTGTCTTAACATCTTA[C>T]CATTGTGTTTTGCATTGCTGTTTGCATCATTTCTTTTTGATCATCTTTTAAGTCTTCTCT-3'